The following is an entry in ClinVar:

NM_013321.4(SNX8):c.101C>T (p.Pro34Leu)

Gene: SNX8 (sorting nexin 8; minus strand). Cytogenetic location: 7p22.3.
Variant type: single nucleotide variant.
Coding change: c.101C>T on transcript NM_013321.4 (MANE Select); coding-DNA position 101, C replaced by T.
Protein change: p.Pro34Leu; replaces proline 34 with leucine.
Molecular consequence: missense variant.
Genome position (GRCh38, 1-based): chr7:2,278,299, G>A on the plus strand (C>T on the coding strand, the complement: SNX8 is on the minus strand). VCF-style: chr7-2278299-G-A. GRCh37 (hg19) VCF-style: chr7-2317934-G-A.
Other names: short protein forms P34L.
Identifiers: ClinVar variation 773474 (VCV000773474.25), dbSNP rs117886084, ClinGen allele CA4125099.

ClinVar aggregate classification (germline): Benign. Review status: criteria provided, multiple submitters, no conflicts (2 of 4 stars). 2 submissions from 2 submitters: Benign (2). Last evaluated 2024-02-01.

Allele frequency attached by ClinVar (database versions not stated): gnomAD 0.00673; TOPMed 0.00779; ESP Exome Variant Server 0.00830; ExAC 0.00877; 1000 Genomes Project 30x 0.00422; 1000 Genomes Project 0.00459.
gnomAD v4.1: 15,652 of 1,559,078 alleles (1%); highest among the groups gnomAD compares: Non-Finnish European, 1.2%; 103 homozygotes.

Submissions (2):

CeGaT Center for Human Genetics Tuebingen
Classification: Benign. Last evaluated: 2024-02-01. Review status: criteria provided, single submitter. Criteria: CeGaT Center For Human Genetics Tuebingen Variant Classification Criteria Version 2. Collection method: clinical testing. Allele origin: germline. Affected: yes. Observed: 1 variant allele.
Comment: SNX8: BS1, BS2

Labcorp Genetics (formerly Invitae), Labcorp
Classification: Benign. Last evaluated: 2018-05-22. Review status: criteria provided, single submitter. Criteria: Invitae Variant Classification Sherloc (09022015). Collection method: clinical testing. Allele origin: germline.